The following is an entry in ClinVar:

NM_015378.4(VPS13D):c.994G>C (p.Glu332Gln)

Gene: VPS13D (vacuolar protein sorting 13 homolog D; plus strand). Cytogenetic location: 1p36.22.
Variant type: single nucleotide variant.
Coding change: c.994G>C on transcript NM_015378.4 (MANE Select); coding-DNA position 994, G replaced by C.
Protein change: p.Glu332Gln; replaces glutamic acid 332 with glutamine.
Molecular consequence: missense variant.
Genome position (GRCh38, 1-based): chr1:12,257,987, G>C. VCF-style: chr1-12257987-G-C. GRCh37 (hg19) VCF-style: chr1-12318044-G-C.
Other names: c.994G>C, p.Glu332Gln (NM_018156.4); short protein forms E332Q.
Identifiers: ClinVar variation 1443281 (VCV001443281.8), dbSNP rs898278527, ClinGen allele CA18026729.

ClinVar aggregate classification (germline): Uncertain significance (1 of 4 stars; one submission).

Allele frequency attached by ClinVar (database versions not stated): gnomAD exomes below 0.00001; TOPMed 0.00001; gnomAD 0.00001.
gnomAD v4.1: 6 of 1,614,062 alleles (0.00037%); highest among the groups gnomAD compares: African/African-American, 0.0067%; no homozygotes.

Submission:

Labcorp Genetics (formerly Invitae), Labcorp
Classification: Uncertain significance. Last evaluated: 2022-07-05. Review status: criteria provided, single submitter. Criteria: Invitae Variant Classification Sherloc (09022015). Collection method: clinical testing. Allele origin: germline.
Comment: This sequence change replaces glutamic acid, which is acidic and polar, with glutamine, which is neutral and polar, at codon 332 of the VPS13D protein (p.Glu332Gln). This variant is present in population databases (no rsID available, gnomAD 0.003%). This variant has not been reported in the literature in individuals affected with VPS13D-related conditions. ClinVar contains an entry for this variant (Variation ID: 1443281). Algorithms developed to predict the effect of missense changes on protein structure and function are either unavailable or do not agree on the potential impact of this missense change (SIFT: "Not Available"; PolyPhen-2: "Probably Damaging"; Align-GVGD: "Not Available"). In summary, the available evidence is currently insufficient to determine the role of this variant in disease. Therefore, it has been classified as a Variant of Uncertain Significance.